The following is an entry in ClinVar:

NM_001042492.3(NF1):c.4431-1G>T

Gene: NF1 (neurofibromin 1; plus strand). Cytogenetic location: 17q11.2.
Variant type: single nucleotide variant.
Coding change: c.4431-1G>T on transcript NM_001042492.3 (MANE Select); the canonical splice acceptor site of the intron before coding-DNA position 4431, G replaced by T.
Molecular consequence: splice acceptor variant.
Genome position (GRCh38, 1-based): chr17:31,260,368, G>T. VCF-style: chr17-31260368-G-T. GRCh37 (hg19) VCF-style: chr17-29587386-G-T.
Other names: c.4368-1G>T (NM_000267.4).
Identifiers: ClinVar variation 803359 (VCV000803359.7), dbSNP rs1597746891, ClinGen allele CA398999108.

ClinVar aggregate classification (germline): Pathogenic. Review status: criteria provided, multiple submitters, no conflicts (2 of 4 stars). 4 submissions from 4 submitters: Pathogenic (4). Last evaluated 2026-03-30.

Conditions:
Neurofibromatosis, type 1 (NF1). Also called: VON RECKLINGHAUSEN DISEASE; NEUROFIBROMATOSIS, TYPE I, SOMATIC; Neurofibromatosis, type I; Peripheral type neurofibromatosis. Identifiers: Orphanet 636, MedGen C0027831, MONDO:0018975, OMIM 162200. Disease mechanism: loss of function.

Submissions (4):

Institute of Human Genetics, University of Leipzig Medical Center
Classification: Pathogenic for Neurofibromatosis, type 1. Last evaluated: 2026-03-30. Review status: criteria provided, single submitter. Criteria: ACMG Guidelines, 2015. Collection method: clinical testing. Allele origin: unknown. Inheritance: Autosomal dominant inheritance. Affected: yes.
Comment: Criteria applied: PVS1,PS4_MOD,PM2,PP4

Genome-Nilou Lab
Classification: Pathogenic for Neurofibromatosis, type 1. Last evaluated: 2022-03-15. Review status: criteria provided, single submitter. Criteria: ACMG Guidelines, 2015. Collection method: clinical testing. Allele origin: germline. Affected: no.

Labcorp Genetics (formerly Invitae), Labcorp
Classification: Pathogenic for Neurofibromatosis, type 1. Last evaluated: 2020-03-19. Review status: criteria provided, single submitter. Criteria: Invitae Variant Classification Sherloc (09022015). Collection method: clinical testing. Allele origin: germline.
Comment: This sequence change affects an acceptor splice site in intron 32 of the NF1 gene. It is expected to disrupt RNA splicing and likely results in an absent or disrupted protein product. For these reasons, this variant has been classified as Pathogenic. Donor and acceptor splice site variants typically lead to a loss of protein function (PMID: 16199547), and loss-of-function variants in NF1 are known to be pathogenic (PMID: 10712197, 23913538). This variant is not present in population databases (ExAC no frequency). This variant has been observed in individual(s) with neurofibromatosis type 1 (PMID: 10712197). ClinVar contains an entry for this variant (Variation ID: 803359). Experimental studies have shown that disruption of this splice site disrupts mRNA splicing (PMID: 18546366).

Mendelics
Classification: Pathogenic for Neurofibromatosis, type 1. Last evaluated: 2019-05-28. Review status: criteria provided, single submitter. Criteria: Mendelics Assertion Criteria 2017. Collection method: clinical testing. Allele origin: unknown.

Literature cited by the submitters: PubMed 16199547 (cited by Labcorp Genetics (formerly Invitae), Labcorp); PubMed 10712197 (cited by Labcorp Genetics (formerly Invitae), Labcorp); PubMed 23913538 (cited by Labcorp Genetics (formerly Invitae), Labcorp); PubMed 18546366 (cited by Labcorp Genetics (formerly Invitae), Labcorp).